The following is an entry in ClinVar:

ClinVar aggregate classification (germline): Likely pathogenic (1 of 4 stars; one submission).

Conditions:
Glycogen storage disease IXb (GSD9B). Also called: PHOSPHORYLASE KINASE DEFICIENCY OF LIVER AND MUSCLE, AUTOSOMAL RECESSIVE; GLYCOGENOSIS OF LIVER AND MUSCLE, AUTOSOMAL RECESSIVE; GSD IXb. Identifiers: Orphanet 79240, MedGen C0543514, MONDO:0009868, OMIM 261750.

Submission:

Labcorp Genetics (formerly Invitae), Labcorp
Classification: Likely pathogenic for Glycogen storage disease IXb. Last evaluated: 2025-01-20. Review status: criteria provided, single submitter. Criteria: Invitae Variant Classification Sherloc (09022015). Collection method: clinical testing. Allele origin: germline.
Comment: This sequence change affects a donor splice site in intron 27 of the PHKB gene. It is expected to disrupt RNA splicing. Variants that disrupt the donor or acceptor splice site typically lead to a loss of protein function (PMID: 16199547), and loss-of-function variants in PHKB are known to be pathogenic (PMID: 9215682, 9326319). This variant is not present in population databases (gnomAD no frequency). This variant has not been reported in the literature in individuals affected with PHKB-related conditions. Algorithms developed to predict the effect of sequence changes on RNA splicing suggest that this variant may disrupt the consensus splice site. In summary, the currently available evidence indicates that the variant is pathogenic, but additional data are needed to prove that conclusively. Therefore, this variant has been classified as Likely Pathogenic.

Literature cited by the submitters: PubMed 16199547; PubMed 9215682; PubMed 9326319.

NM_000293.3(PHKB):c.2765+2T>C

Gene: PHKB (phosphorylase kinase regulatory subunit beta; plus strand). Cytogenetic location: 16q12.1.
Variant type: single nucleotide variant.
Coding change: c.2765+2T>C on transcript NM_000293.3 (MANE Select); the canonical splice donor site of the intron after coding-DNA position 2765, T replaced by C.
Molecular consequence: splice donor variant.
Genome position (GRCh38, 1-based): chr16:47,689,177, T>C. VCF-style: chr16-47689177-T-C. GRCh37 (hg19) VCF-style: chr16-47723088-T-C.
Other names: c.2765+2T>C (NM_001363837.1); c.2744+2T>C (NM_001031835.3).
Identifiers: ClinVar variation 3676419 (VCV003676419.2).